The following is an entry in ClinVar:

ClinVar aggregate classification (germline): Uncertain significance (1 of 4 stars; one submission).

Conditions:
Inborn genetic diseases. Identifiers: MedGen C0950123, MeSH D030342.

Submission:

Ambry Genetics
Classification: Uncertain significance for Inborn genetic diseases. Last evaluated: 2026-06-05. Review status: criteria provided, single submitter. Criteria: Ambry Variant Classification Scheme 2023. Collection method: clinical testing. Allele origin: germline.
Comment: The p.W464R variant (also known as c.1390T>C), located in coding exon 8 of the FANCM gene, results from a T to C substitution at nucleotide position 1390. The tryptophan at codon 464 is replaced by arginine, an amino acid with dissimilar properties. This amino acid position is conserved. In addition, this alteration is predicted to be tolerated by in silico analysis. Based on the available evidence, the clinical significance of this variant remains unclear.

NM_020937.4(FANCM):c.1390T>C (p.Trp464Arg)

Gene: FANCM (FA complementation group M; plus strand). Cytogenetic location: 14q21.2.
Variant type: single nucleotide variant.
Coding change: c.1390T>C on transcript NM_020937.4 (MANE Select); coding-DNA position 1390, T replaced by C.
Protein change: p.Trp464Arg; replaces tryptophan 464 with arginine.
Molecular consequence: missense variant.
Genome position (GRCh38, 1-based): chr14:45,155,453, T>C. VCF-style: chr14-45155453-T-C. GRCh37 (hg19) VCF-style: chr14-45624656-T-C.
Other names: c.1312T>C, p.Trp438Arg (NM_001308133.2); c.1390T>C, p.Trp464Arg (NM_001308134.2); short protein forms W438R, W464R.
Identifiers: ClinVar variation 4871178 (VCV004871178.1).